The following is an entry in ClinVar:

ClinVar aggregate classification (germline): Likely pathogenic. Review status: criteria provided, multiple submitters, no conflicts (2 of 4 stars). 3 submissions from 3 submitters: Likely pathogenic (3). Last evaluated 2024-01-24.

Conditions:
SLC34A3-related disorder. Also called: SLC34A3-related condition.
Autosomal recessive hypophosphatemic bone disease (HHRH). Also called: HYPERCALCIURIC RICKETS; Hypophosphatemic rickets with hypercalciuria. Identifiers: Orphanet 157215, MedGen C1853271, MONDO:0009431, OMIM 241530.

Submissions (3):

Fulgent Genetics
Classification: Likely pathogenic for Autosomal recessive hypophosphatemic bone disease. Last evaluated: 2024-01-24. Review status: criteria provided, single submitter. Criteria: ACMG Guidelines, 2015. Collection method: clinical testing. Allele origin: germline.

Labcorp Genetics (formerly Invitae), Labcorp
Classification: Likely pathogenic. Last evaluated: 2023-11-22. Review status: criteria provided, single submitter. Criteria: Invitae Variant Classification Sherloc (09022015). Collection method: clinical testing. Allele origin: germline.
Comment: This sequence change affects an acceptor splice site in intron 4 of the SLC34A3 gene. It is expected to disrupt RNA splicing. Variants that disrupt the donor or acceptor splice site typically lead to a loss of protein function (PMID: 16199547), and loss-of-function variants in SLC34A3 are known to be pathogenic (PMID: 16358214, 16358215, 22159077). This variant is not present in population databases (gnomAD no frequency). This variant has not been reported in the literature in individuals affected with SLC34A3-related conditions. ClinVar contains an entry for this variant (Variation ID: 2413968). Algorithms developed to predict the effect of sequence changes on RNA splicing suggest that this variant may disrupt the consensus splice site. In summary, the currently available evidence indicates that the variant is pathogenic, but additional data are needed to prove that conclusively. Therefore, this variant has been classified as Likely Pathogenic.

Blueprint Genetics
Classification: Likely pathogenic for SLC34A3-related disorders. Last evaluated: 2022-03-28. Review status: criteria provided, single submitter. Criteria: ACMG Guidelines, 2015. Collection method: clinical testing. Allele origin: germline. Affected: yes. Observed: 1 variant allele.

Literature cited by the submitters: PubMed 16199547 (cited by Labcorp Genetics (formerly Invitae), Labcorp); PubMed 16358214 (cited by Labcorp Genetics (formerly Invitae), Labcorp); PubMed 16358215 (cited by Labcorp Genetics (formerly Invitae), Labcorp); PubMed 22159077 (cited by Labcorp Genetics (formerly Invitae), Labcorp).

NM_001177316.2(SLC34A3):c.305-1G>C

Gene: SLC34A3 (solute carrier family 34 member 3; plus strand). Cytogenetic location: 9q34.3.
Variant type: single nucleotide variant.
Coding change: c.305-1G>C on transcript NM_001177316.2 (MANE Select); the canonical splice acceptor site of the intron before coding-DNA position 305, G replaced by C.
Molecular consequence: splice acceptor variant.
Genome position (GRCh38, 1-based): chr9:137,232,783, G>C. VCF-style: chr9-137232783-G-C. GRCh37 (hg19) VCF-style: chr9-140127235-G-C.
Other names: c.305-1G>C (NM_080877.2, NM_001177317.2, NM_080877.3).
Identifiers: ClinVar variation 2413968 (VCV002413968.9), dbSNP rs770803386, ClinGen allele CA375727626.